The following is an entry in ClinVar:

ClinVar aggregate classification (germline): Uncertain significance (1 of 4 stars; one submission).

Submission:

Labcorp Genetics (formerly Invitae), Labcorp
Classification: Uncertain significance. Last evaluated: 2025-06-06. Review status: criteria provided, single submitter. Criteria: Invitae Variant Classification Sherloc (09022015). Collection method: clinical testing. Allele origin: germline.
Comment: This sequence change replaces glycine, which is neutral and non-polar, with cysteine, which is neutral and slightly polar, at codon 440 of the PLEKHM2 protein (p.Gly440Cys). Information on the frequency of this variant in the gnomAD database is not available, as this variant may be reported differently in the database. This variant has not been reported in the literature in individuals affected with PLEKHM2-related conditions. ClinVar contains an entry for this variant (Variation ID: 2905399). Experimental studies and prediction algorithms are not available or were not evaluated, and the functional significance of this variant is currently unknown. In summary, the available evidence is currently insufficient to determine the role of this variant in disease. Therefore, it has been classified as a Variant of Uncertain Significance.

NM_015164.4(PLEKHM2):c.1317_1318delinsAT (p.Gly440Cys)

Gene: PLEKHM2 (pleckstrin homology and RUN domain containing M2; plus strand). Cytogenetic location: 1p36.21.
Variant type: Indel.
Coding change: c.1317_1318delinsAT on transcript NM_015164.4 (MANE Select); coding-DNA positions 1317 to 1318, CG replaced by AT.
Protein change: p.Gly440Cys; replaces glycine 440 with cysteine.
Molecular consequence: missense variant.
Genome position (GRCh38, 1-based): chr1:15,727,389-15,727,390, CG replaced by AT. VCF-style: chr1-15727389-CG-AT. GRCh37 (hg19) VCF-style: chr1-16053884-CG-AT.
Other names: c.1257_1258delinsAT, p.Gly420Cys (NM_001410755.1); short protein forms G420C, G440C.
Identifiers: ClinVar variation 2905399 (VCV002905399.3), dbSNP rs2522443912, ClinGen allele CA2739272318.